The following is an entry in ClinVar:

NM_001010892.3(RSPH4A):c.1774_1775del (p.Leu592fs)

Gene: RSPH4A (radial spoke head component 4A; plus strand). Cytogenetic location: 6q22.1.
Variant type: Deletion.
Coding change: c.1774_1775del on transcript NM_001010892.3 (MANE Select); coding-DNA positions 1774 to 1775, 2 bases deleted (TT; older notation c.1774_1775delTT).
Protein change: p.Leu592fs; shifts the reading frame from leucine 592.
Molecular consequence: frameshift variant. On other transcripts: intron variant (1).
Genome position (GRCh38, 1-based): chr6:116,629,678-116,629,679, TT deleted; deleting any 2 consecutive bases within chr6:116,629,676-116,629,679 gives the same sequence; the c. name uses the placement nearest the transcript's 3' end. VCF-style (leftmost placement, unchanged base first): chr6-116629675-CTT-C. GRCh37 (hg19) VCF-style: chr6-116950838-CTT-C.
Other names: c.1663-757_1663-756del (NM_001161664.2); short protein forms L592fs.
Identifiers: ClinVar variation 957527 (VCV000957527.3), dbSNP rs780292620, ClinGen allele CA3971027.

ClinVar aggregate classification (germline): Pathogenic. Review status: criteria provided, multiple submitters, no conflicts (2 of 4 stars). 2 submissions from 2 submitters: Pathogenic (2). Last evaluated 2023-03-31.

Conditions:
Primary ciliary dyskinesia 11. Also called: CILIARY DYSKINESIA, PRIMARY, 11, WITHOUT SITUS INVERSUS. Identifiers: Orphanet 244, MedGen C2675229, MONDO:0012978, OMIM 612649.
Primary ciliary dyskinesia. Also called: Ciliary dyskinesia. Identifiers: Orphanet 244, MedGen C0008780, MONDO:0016575, HP:0012265.

Submissions (2):

Revvity Omics, Revvity
Classification: Pathogenic for Primary ciliary dyskinesia 11. Last evaluated: 2023-03-31. Review status: criteria provided, single submitter. Criteria: ACMG Guidelines, 2015. Collection method: clinical testing. Allele origin: germline.

Labcorp Genetics (formerly Invitae), Labcorp
Classification: Pathogenic for Primary ciliary dyskinesia. Last evaluated: 2019-08-23. Review status: criteria provided, single submitter. Criteria: Invitae Variant Classification Sherloc (09022015). Collection method: clinical testing. Allele origin: germline.
Comment: This sequence change creates a premature translational stop signal (p.Leu592Aspfs*5) in the RSPH4A gene. It is expected to result in an absent or disrupted protein product. This variant is present in population databases (rs780292620, ExAC 0.07%). This variant has not been reported in the literature in individuals with RSPH4A-related conditions. Loss-of-function variants in RSPH4A are known to be pathogenic (PMID: 19200523). For these reasons, this variant has been classified as Pathogenic.